The following is an entry in ClinVar:

NM_003922.4(HERC1):c.9529G>T (p.Val3177Leu)

Gene: HERC1 (HECT and RLD domain containing E3 ubiquitin protein ligase family member 1; minus strand). Cytogenetic location: 15q22.31.
Variant type: single nucleotide variant.
Coding change: c.9529G>T on transcript NM_003922.4 (MANE Select); coding-DNA position 9529, G replaced by T.
Protein change: p.Val3177Leu; replaces valine 3177 with leucine.
Molecular consequence: missense variant.
Genome position (GRCh38, 1-based): chr15:63,658,614, C>A on the plus strand (G>T on the coding strand, the complement: HERC1 is on the minus strand). VCF-style: chr15-63658614-C-A. GRCh37 (hg19) VCF-style: chr15-63950813-C-A.
Other names: short protein forms V3177L.
Identifiers: ClinVar variation 1508936 (VCV001508936.6), dbSNP rs2152921985, ClinGen allele CA392759049.

ClinVar aggregate classification (germline): Uncertain significance (1 of 4 stars; one submission).

gnomAD v4.1: 2 of 1,613,990 alleles (0.00012%); highest among the groups gnomAD compares: Non-Finnish European, 0.000085%; no homozygotes.

Submission:

Labcorp Genetics (formerly Invitae), Labcorp
Classification: Uncertain significance. Last evaluated: 2025-01-06. Review status: criteria provided, single submitter. Criteria: Invitae Variant Classification Sherloc (09022015). Collection method: clinical testing. Allele origin: germline.
Comment: This sequence change replaces valine, which is neutral and non-polar, with leucine, which is neutral and non-polar, at codon 3177 of the HERC1 protein (p.Val3177Leu). This variant is not present in population databases (gnomAD no frequency). This variant has not been reported in the literature in individuals affected with HERC1-related conditions. ClinVar contains an entry for this variant (Variation ID: 1508936). Invitae Evidence Modeling of protein sequence and biophysical properties (such as structural, functional, and spatial information, amino acid conservation, physicochemical variation, residue mobility, and thermodynamic stability) indicates that this missense variant is not expected to disrupt HERC1 protein function with a negative predictive value of 80%. In summary, the available evidence is currently insufficient to determine the role of this variant in disease. Therefore, it has been classified as a Variant of Uncertain Significance.